The following is an entry in ClinVar:

ClinVar aggregate classification (germline): Uncertain significance. Review status: criteria provided, single submitter (1 of 4 stars). 2 submissions from 2 submitters: Uncertain significance (1). 1 of the submissions does not count toward it. Last evaluated 2023-11-09.

Conditions:
Inborn genetic diseases. Identifiers: MedGen C0950123, MeSH D030342.

Allele frequency attached by ClinVar (database versions not stated): TOPMed 0.00020; 1000 Genomes Project 0.00060; gnomAD exomes 0.00002 and 0.00005; ExAC 0.00007; gnomAD 0.00015 and 0.00014; ESP Exome Variant Server 0.00038; 1000 Genomes Project 30x 0.00047.
gnomAD v4.1: 63 of 1,613,392 alleles (0.0039%); highest among the groups gnomAD compares: African/African-American, 0.069%; no homozygotes.

Submissions (2):

Ambry Genetics
Classification: Uncertain significance for Inborn genetic diseases. Last evaluated: 2023-11-09. Review status: criteria provided, single submitter. Criteria: Ambry Variant Classification Scheme 2023. Collection method: clinical testing. Allele origin: germline.

Department of Pathology and Laboratory Medicine, Sinai Health System
Classification: Uncertain significance. Review status: no assertion criteria provided. Collection method: clinical testing. Allele origin: unknown. Affected: yes. Study: The Canadian Open Genetics Repository (COGR). Not counted in ClinVar's aggregate classification.
Comment: The TSPYL1 p.Ala131Val variant was not identified in the literature nor was it identified in ClinVar, Cosmic, or LOVD 3.0. The variant was identified in dbSNP (ID: rs138602300) and in control databases in 14 of 281808 chromosomes at a frequency of 0.00005 (Genome Aggregation Database Feb 27, 2017). The variant was observed in the following populations: African in 12 of 24730 chromosomes (freq: 0.000485), Latino in 1 of 35438 chromosomes (freq: 0.000028), Other in 1 of 7216 chromosomes (freq: 0.000139). The variant was not observed in the Ashkenazi Jewish, East Asian, European (Finnish), European (non-Finnish), and South Asian populations. The p.Ala131 residue is conserved in mammals but not in more distantly related organisms. Four out of five computational analyses (PolyPhen-2, SIFT, AlignGVGD, BLOSUM) do not suggest a high likelihood of impact to the protein; however, this information is not predictive enough to rule out pathogenicity. In summary, based on the above information the clinical significance of this variant cannot be determined with certainty at this time. This variant is classified as a variant of uncertain significance.

NM_003309.4(TSPYL1):c.392C>T (p.Ala131Val)

Genes: DSE (dermatan sulfate epimerase; plus strand), TSPYL1 (TSPY like 1; minus strand), LOC129997035 (ATAC-STARR-seq lymphoblastoid active region 24984; plus strand). Cytogenetic location: 6q22.1.
Variant type: single nucleotide variant.
Coding change: c.392C>T on transcript NM_003309.4 (MANE Select); coding-DNA position 392, C replaced by T.
Protein change: p.Ala131Val; replaces alanine 131 with valine.
Molecular consequence: missense variant. On other transcripts: intron variant (6).
Genome position (GRCh38, 1-based): chr6:116,279,439, G>A on the plus strand (C>T on the coding strand, the complement: TSPYL1 is on the minus strand). VCF-style: chr6-116279439-G-A. GRCh37 (hg19) VCF-style: chr6-116600602-G-A.
Other names: c.-954+20472G>A (NM_001374520.1); c.-54+20472G>A (NM_001322937.2, NM_001322938.2, NM_001374522.1); c.-641+20472G>A (NM_001374521.1); c.-611+20472G>A (NM_001322940.2); short protein forms A131V.
Identifiers: ClinVar variation 1050295 (VCV001050295.4), dbSNP rs138602300, ClinGen allele CA3969306.
Genomic context (GRCh38, chr6:116,279,439, plus strand): 5'-TCAGCCTCCGCCCCCGCCGTCAGCTCAGACGCGGATCTCTGGGCGCCACAGATTTCTAGG[G>A]CCTTCTCTCCACCCTGAACGCCCTTTTTCAGGCTGCGGTCGGCTGCCATCACCACAGAAG-3'
Protein context (NP_003300.1, residues 121-141): LKKGVQGGEK[Ala131Val]LEICGAQRSA